The following is an entry in ClinVar:

ClinVar aggregate classification (germline): Likely benign. Review status: criteria provided, multiple submitters, no conflicts (2 of 4 stars). 2 submissions from 2 submitters: Likely benign (2). Last evaluated 2026-01-05.

Conditions:
Ehlers-Danlos syndrome, classic type, 1 (EDSCL1). Also called: EHLERS-DANLOS SYNDROME, GRAVIS TYPE; EHLERS-DANLOS SYNDROME, SEVERE CLASSIC TYPE; Ehlers-Danlos Syndrome, Classic Type, COL5A1-Related; EDS I; Ehlers-Danlos syndrome, type 1. Identifiers: MedGen C0268335, MONDO:0019567, OMIM 130000.

Allele frequency attached by ClinVar (database versions not stated): gnomAD 0.00001.
gnomAD v4.1: 3 of 1,471,420 alleles (0.0002%); highest among the groups gnomAD compares: African/African-American, 0.0014%; no homozygotes.

Submissions (2):

Labcorp Genetics (formerly Invitae), Labcorp
Classification: Likely benign for Ehlers-Danlos syndrome, classic type, 1. Last evaluated: 2026-01-05. Review status: criteria provided, single submitter. Criteria: Invitae Variant Classification Sherloc (09022015). Collection method: clinical testing. Allele origin: germline.

GeneDx
Classification: Likely benign. Last evaluated: 2016-10-24. Review status: criteria provided, single submitter. Criteria: GeneDx Variant Classification (06012015). Collection method: clinical testing. Allele origin: germline. Affected: yes.
Comment: This variant is considered likely benign or benign based on one or more of the following criteria: it is a conservative change, it occurs at a poorly conserved position in the protein, it is predicted to be benign by multiple in silico algorithms, and/or has population frequency not consistent with disease.

NM_000393.5(COL5A2):c.323-15C>G

Gene: COL5A2 (collagen type V alpha 2 chain; minus strand). Cytogenetic location: 2q32.2.
Variant type: single nucleotide variant.
Coding change: c.323-15C>G on transcript NM_000393.5 (MANE Select); 15 bases into the intron before coding-DNA position 323, C replaced by G.
Molecular consequence: intron variant.
Genome position (GRCh38, 1-based): chr2:189,104,292, G>C on the plus strand (C>G on the coding strand, the complement: COL5A2 is on the minus strand). VCF-style: chr2-189104292-G-C. GRCh37 (hg19) VCF-style: chr2-189969018-G-C.
Identifiers: ClinVar variation 390148 (VCV000390148.2), dbSNP rs766670107, ClinGen allele CA16603991.